The following is an entry in ClinVar:

NM_006531.5(IFT88):c.2189G>A (p.Gly730Asp)

Gene: IFT88 (intraflagellar transport 88; plus strand). Cytogenetic location: 13q12.11.
Variant type: single nucleotide variant.
Coding change: c.2189G>A on transcript NM_006531.5 (MANE Select); coding-DNA position 2189, G replaced by A.
Protein change: p.Gly730Asp; replaces glycine 730 with aspartic acid.
Molecular consequence: missense variant. On other transcripts: synonymous variant (1), non-coding transcript variant (5).
Genome position (GRCh38, 1-based): chr13:20,670,986, G>A. VCF-style: chr13-20670986-G-A. GRCh37 (hg19) VCF-style: chr13-21245125-G-A.
Other names: c.2132G>A, p.Gly711Asp (NM_001318491.2); c.2216G>A, p.Gly739Asp (NM_001318493.2, NM_001353565.2, NM_001353566.2 and 2 more transcripts); c.2189G>A, p.Gly730Asp (NM_001353568.2, NM_001353572.2); c.2114G>A, p.Gly705Asp (NM_001353569.2, NM_001353570.2, NM_001353576.2 and 1 more transcripts); c.2087G>A, p.Gly696Asp (NM_001353571.2, NM_001353578.2); c.2045G>A, p.Gly682Asp (NM_001353573.2); c.2030G>A, p.Gly677Asp (NM_001353574.2); c.2256G>A, p.Arg752= (NM_001353575.2); and 1 more; short protein forms G682D, G705D, G696D, G711D, G519D, G677D, G730D, G739D.
Identifiers: ClinVar variation 4997430 (VCV004997430.1).

ClinVar aggregate classification (germline): Uncertain significance (1 of 4 stars; one submission).

Conditions:
IFT88-related disorder. Also called: IFT88-related condition.

gnomAD v4.1: 2 of 1,613,828 alleles (0.00012%); highest among the groups gnomAD compares: Non-Finnish European, 0.000085%; no homozygotes.

Submission:

PreventionGenetics, part of Exact Sciences
Classification: Uncertain significance for IFT88-related condition. Last evaluated: 2025-05-22. Review status: criteria provided, single submitter. Criteria: ACMG Guidelines, 2015. Collection method: clinical testing. Allele origin: germline.
Comment: The IFT88 c.2216G>A variant is predicted to result in the amino acid substitution p.Gly739Asp. To our knowledge, this variant has not been reported in the literature. This variant is reported in 0.0099% of alleles in individuals of Ashkenazi Jewish descent in gnomAD. At this time, the clinical significance of this variant is uncertain due to the absence of conclusive functional and genetic evidence.